The following is an entry in ClinVar:

ClinVar aggregate classification (germline): Uncertain significance. Review status: criteria provided, multiple submitters, no conflicts (2 of 4 stars). 4 submissions from 4 submitters: Uncertain significance (4). Last evaluated 2024-07-02.

Conditions:
PRPH2-related disorder. Also called: PRPH2-related condition; PRPH2-related disorders. Identifiers: MedGen CN239395.
Inborn genetic diseases. Identifiers: MedGen C0950123, MeSH D030342.
Retinitis pigmentosa 7 (RP7). Identifiers: Orphanet 791, MedGen C1842475, MONDO:0011974, OMIM 608133.
Patterned macular dystrophy 1. Also called: BUTTERFLY DYSTROPHY OF RETINAL PIGMENT EPITHELIUM; MACULAR DYSTROPHY, BUTTERFLY-SHAPED PIGMENTARY. Identifiers: Orphanet 99001, MedGen C4551999, MONDO:0008210, OMIM 169150.
Vitelliform macular dystrophy 3 (VMD3). Also called: PRPH2 vitelliform macular dystrophy; vitelliform macular dystrophy caused by mutation in PRPH2. Identifiers: MedGen CN295869, MONDO:0024561, OMIM 608161.
Pigmentary retinal dystrophy. Also called: Fundus albipunctatus. Identifiers: Orphanet 227796, Orphanet 52427, MedGen C0311338, MONDO:0007639, OMIM 136880, HP:0030642.
Choroidal dystrophy, central areolar 2 (CACD2). Also called: Choriodal Dystrophy, Central Areolar 2; MACULAR DYSTROPHY, PROGRESSIVE. Identifiers: Orphanet 75377, MedGen C2751290, MONDO:0013137, OMIM 613105.

Allele frequency attached by ClinVar (database versions not stated): gnomAD exomes below 0.00001 and 0.00001.
gnomAD v4.1: 13 of 1,613,614 alleles (0.00081%); highest among the groups gnomAD compares: Non-Finnish European, 0.0011%; no homozygotes.

Submissions (4):

Blueprint Genetics
Classification: Uncertain significance. Last evaluated: 2024-07-02. Review status: criteria provided, single submitter. Criteria: ACMG Guidelines, 2015. Collection method: clinical testing. Allele origin: germline.

Institute of Human Genetics, Clinical Exome/Genome Diagnostics Group, University Hospital Bonn
Classification: Uncertain significance for Choroidal dystrophy, central areolar 2; Retinitis pigmentosa 7; Patterned macular dystrophy 1; Vitelliform macular dystrophy 3; Pigmentary retinal dystrophy. Last evaluated: 2024-05-15. Review status: criteria provided, single submitter. Criteria: ACMG Guidelines, 2015. Collection method: clinical testing. Allele origin: germline.

Labcorp Genetics (formerly Invitae), Labcorp
Classification: Uncertain significance for PRPH2-related disorder. Last evaluated: 2021-12-06. Review status: criteria provided, single submitter. Criteria: Invitae Variant Classification Sherloc (09022015). Collection method: clinical testing. Allele origin: germline.
Comment: This sequence change replaces alanine, which is neutral and non-polar, with threonine, which is neutral and polar, at codon 2 of the PRPH2 protein (p.Ala2Thr). This variant is present in population databases (no rsID available, gnomAD 0.0009%). This variant has not been reported in the literature in individuals affected with PRPH2-related conditions. Algorithms developed to predict the effect of missense changes on protein structure and function are either unavailable or do not agree on the potential impact of this missense change (SIFT: "Deleterious"; PolyPhen-2: "Possibly Damaging"; Align-GVGD: "Class C0"). In summary, the available evidence is currently insufficient to determine the role of this variant in disease. Therefore, it has been classified as a Variant of Uncertain Significance.

Ambry Genetics
Classification: Uncertain significance for Inborn genetic diseases. Last evaluated: 2021-10-29. Review status: criteria provided, single submitter. Criteria: Ambry Variant Classification Scheme 2023. Collection method: clinical testing. Allele origin: germline.

NM_000322.5(PRPH2):c.4G>A (p.Ala2Thr)

Gene: PRPH2 (peripherin 2; minus strand). Cytogenetic location: 6p21.1.
Variant type: single nucleotide variant.
Coding change: c.4G>A on transcript NM_000322.5 (MANE Select); coding-DNA position 4, G replaced by A.
Protein change: p.Ala2Thr; replaces alanine 2 with threonine.
Molecular consequence: missense variant.
Genome position (GRCh38, 1-based): chr6:42,722,331, C>T on the plus strand (G>A on the coding strand, the complement: PRPH2 is on the minus strand). VCF-style: chr6-42722331-C-T. GRCh37 (hg19) VCF-style: chr6-42690069-C-T.
Other names: c.4G>A (NM_000322.4); short protein forms A2T.
Identifiers: ClinVar variation 1492157 (VCV001492157.9), dbSNP rs1424831291, ClinGen allele CA364138980.